The following is an entry in ClinVar:

ClinVar aggregate classification (germline): Pathogenic (1 of 4 stars; one submission).

Conditions:
Argininosuccinate lyase deficiency. Also called: ARGININOSUCCINIC ACID LYASE DEFICIENCY; ASL DEFICIENCY; Argininosuccinic aciduria. Identifiers: Orphanet 23, MedGen C0268547, MONDO:0008815, OMIM 207900, HP:0025630.

Submission:

Labcorp Genetics (formerly Invitae), Labcorp
Classification: Pathogenic for Argininosuccinate lyase deficiency. Last evaluated: 2021-02-25. Review status: criteria provided, single submitter. Criteria: Invitae Variant Classification Sherloc (09022015). Collection method: clinical testing. Allele origin: germline.
Comment: This variant is a gross deletion of the genomic region encompassing exon(s) 16-17 of the ASL gene. The 5' boundary is likely confined to intron 15. The 3' end of this event is unknown as it extends through the termination codon beyond the assayed region for this gene and may encompass additional genes. While this deletion is not anticipated to lead to nonsense mediated decay, it is expected to alter mRNA translation or result in a truncated protein product. This variant has not been reported in the literature in individuals with ASL-related conditions. For these reasons, this variant has been classified as Pathogenic. This variant disrupts the C-terminus of the ASL protein. Other variant(s) that disrupt this region (p.Trp450*) have been determined to be pathogenic (Invitae). This suggests that variants that disrupt this region of the protein are likely to be causative of disease.

NC_000007.13:g.(?_65557534)_(65557909_?)del

Gene: ASL (argininosuccinate lyase; plus strand). Cytogenetic location: 7q11.21.
Variant type: Deletion.
Identifiers: ClinVar variation 1458484 (VCV001458484.6).